The following is an entry in ClinVar:

ClinVar aggregate classification (germline): Likely benign. Review status: criteria provided, multiple submitters, no conflicts (2 of 4 stars). 3 submissions from 3 submitters: Likely benign (3). Last evaluated 2025-08-18.

Conditions:
COL4A1-related disorder. Also called: COL4A1-related condition; COL4A1-related disorders. Identifiers: MedGen CN376119, MONDO:0800461.

Allele frequency attached by ClinVar (database versions not stated): gnomAD exomes below 0.00001; ExAC 0.00001; gnomAD 0.00001; TOPMed 0.00006.
gnomAD v4.1: 10 of 1,612,174 alleles (0.00062%); highest among the groups gnomAD compares: Admixed American, 0.0067%; no homozygotes.

Submissions (3):

Labcorp Genetics (formerly Invitae), Labcorp
Classification: Likely benign. Last evaluated: 2025-08-18. Review status: criteria provided, single submitter. Criteria: Invitae Variant Classification Sherloc (09022015). Collection method: clinical testing. Allele origin: germline.

Women's Health and Genetics/Laboratory Corporation of America, LabCorp
Classification: Likely benign. Last evaluated: 2025-04-01. Review status: criteria provided, single submitter. Criteria: LabCorp Variant Classification Summary - May 2015. Collection method: clinical testing. Allele origin: germline.

PreventionGenetics, part of Exact Sciences
Classification: Likely benign for COL4A1-related condition. Last evaluated: 2025-01-23. Review status: criteria provided, single submitter. Criteria: ACMG Guidelines, 2015. Collection method: clinical testing. Allele origin: germline.
Comment: This variant is classified as likely benign based on ACMG/AMP sequence variant interpretation guidelines (Richards et al. 2015 PMID: 25741868, with internal and published modifications).

NM_001845.6(COL4A1):c.2391A>G (p.Gly797=)

Gene: COL4A1 (collagen type IV alpha 1 chain; minus strand). Cytogenetic location: 13q34.
Variant type: single nucleotide variant.
Coding change: c.2391A>G on transcript NM_001845.6 (MANE Select); coding-DNA position 2391, A replaced by G.
Protein change: p.Gly797=; no amino-acid change (glycine 797 retained).
Molecular consequence: synonymous variant.
Genome position (GRCh38, 1-based): chr13:110,178,990, T>C on the plus strand (A>G on the coding strand, the complement: COL4A1 is on the minus strand). VCF-style: chr13-110178990-T-C. GRCh37 (hg19) VCF-style: chr13-110831337-T-C.
Other names: c.2391A>G (NM_001845.5).
Identifiers: ClinVar variation 2757510 (VCV002757510.6), dbSNP rs761112750, ClinGen allele CA7047607.